The following is an entry in ClinVar:

ClinVar aggregate classification (germline): Uncertain significance (1 of 4 stars; one submission).

Allele frequency attached by ClinVar (database versions not stated): TOPMed 0.00001.

Submission:

Labcorp Genetics (formerly Invitae), Labcorp
Classification: Uncertain significance. Last evaluated: 2026-01-09. Review status: criteria provided, single submitter. Criteria: Invitae Variant Classification Sherloc (09022015). Collection method: clinical testing. Allele origin: germline.
Comment: This sequence change replaces alanine, which is neutral and non-polar, with threonine, which is neutral and polar, at codon 1408 of the RP1 protein (p.Ala1408Thr). This variant is not present in population databases (gnomAD no frequency). This variant has not been reported in the literature in individuals affected with RP1-related conditions. ClinVar contains an entry for this variant (Variation ID: 1024482). An algorithm developed to predict the effect of missense changes on protein structure and function (PolyPhen-2) suggests that this variant is likely to be tolerated. In summary, the available evidence is currently insufficient to determine the role of this variant in disease. Therefore, it has been classified as a Variant of Uncertain Significance.

NM_006269.2(RP1):c.4222G>A (p.Ala1408Thr)

Gene: RP1 (RP1 axonemal microtubule associated; plus strand). Cytogenetic location: 8q12.1.
Variant type: single nucleotide variant.
Coding change: c.4222G>A on transcript NM_006269.2 (MANE Select); coding-DNA position 4222, G replaced by A.
Protein change: p.Ala1408Thr; replaces alanine 1408 with threonine.
Molecular consequence: missense variant. On other transcripts: intron variant (1).
Genome position (GRCh38, 1-based): chr8:54,628,104, G>A. VCF-style: chr8-54628104-G-A. GRCh37 (hg19) VCF-style: chr8-55540664-G-A.
Other names: c.787+5816G>A (NM_001375654.1); short protein forms A1408T.
Identifiers: ClinVar variation 1024482 (VCV001024482.8), dbSNP rs1806128798, ClinGen allele CA370981723.